The following is an entry in ClinVar:

ClinVar aggregate classification (germline): Uncertain significance (0 of 4 stars; one submission).

Conditions:
DIAPH3-related disorder. Also called: DIAPH3-related condition.

gnomAD v4.1: 5 of 1,613,952 alleles (0.00031%); highest among the groups gnomAD compares: East Asian, 0.0022%; no homozygotes.

Submission:

PreventionGenetics, part of Exact Sciences
Classification: Uncertain significance for DIAPH3-related condition. Last evaluated: 2024-04-01. Review status: no assertion criteria provided. Collection method: clinical testing. Allele origin: germline.
Comment: The DIAPH3 c.3499G>A variant is predicted to result in the amino acid substitution p.Glu1167Lys. To our knowledge, this variant has not been reported in the literature. This variant is reported in 0.00088% of alleles in individuals of European (Non-Finnish) descent in gnomAD. At this time, the clinical significance of this variant is uncertain due to the absence of conclusive functional and genetic evidence.

NM_001042517.2(DIAPH3):c.3499G>A (p.Glu1167Lys)

Gene: DIAPH3 (diaphanous related formin 3; minus strand). Cytogenetic location: 13q21.2.
Variant type: single nucleotide variant.
Coding change: c.3499G>A on transcript NM_001042517.2 (MANE Select); coding-DNA position 3499, G replaced by A.
Protein change: p.Glu1167Lys; replaces glutamic acid 1167 with lysine.
Molecular consequence: missense variant.
Genome position (GRCh38, 1-based): chr13:59,666,667, C>T on the plus strand (G>A on the coding strand, the complement: DIAPH3 is on the minus strand). VCF-style: chr13-59666667-C-T. GRCh37 (hg19) VCF-style: chr13-60240801-C-T.
Other names: c.3466G>A, p.Glu1156Lys (NM_001258366.2); c.3361G>A, p.Glu1121Lys (NM_001258367.2); c.3289G>A, p.Glu1097Lys (NM_001258368.2); short protein forms E1097K, E1121K, E1156K, E1167K.
Identifiers: ClinVar variation 3348375 (VCV003348375.1).